The following is an entry in ClinVar:

ClinVar aggregate classification (germline): Uncertain significance (1 of 4 stars; one submission).

Conditions:
ATP11A-related disorder. Also called: ATP11A-related condition.

gnomAD v4.1: 5 of 1,612,618 alleles (0.00031%); highest among the groups gnomAD compares: South Asian, 0.0011%; no homozygotes.

Submission:

PreventionGenetics, part of Exact Sciences
Classification: Uncertain significance for ATP11A-related condition. Last evaluated: 2026-06-06. Review status: criteria provided, single submitter. Criteria: ACMG Guidelines, 2015. Collection method: clinical testing. Allele origin: germline.
Comment: The ATP11A c.1627G>A variant is predicted to result in the amino acid substitution p.Glu543Lys. To our knowledge, this variant has not been reported in the literature. This variant is reported in 0.0054% of alleles in individuals of East Asian descent in gnomAD. At this time, the clinical significance of this variant is uncertain due to the absence of conclusive functional and genetic evidence.

NM_015205.3(ATP11A):c.1627G>A (p.Glu543Lys)

Gene: ATP11A (ATPase phospholipid transporting 11A; plus strand). Cytogenetic location: 13q34.
Variant type: single nucleotide variant.
Coding change: c.1627G>A on transcript NM_015205.3 (MANE Select); coding-DNA position 1627, G replaced by A.
Protein change: p.Glu543Lys; replaces glutamic acid 543 with lysine.
Molecular consequence: missense variant.
Genome position (GRCh38, 1-based): chr13:112,834,656, G>A. VCF-style: chr13-112834656-G-A. GRCh37 (hg19) VCF-style: chr13-113488970-G-A.
Other names: c.1627G>A, p.Glu543Lys (NM_001405661.1, NM_001405662.1, NM_001405663.1 and 1 more transcripts); short protein forms E543K.
Identifiers: ClinVar variation 4984878 (VCV004984878.1).
Genomic context (GRCh38, chr13:112,834,656, plus strand): 5'-TTTACCTACCTAAGGCTGAAGGACAATTACATGGAGATATTAAACAGGGAGAACCACATC[G>A]AAAGGTATGTGCAGACCTCACCCTCAGATGTGAAAGGACTAACGAATAAAGAGTGTTCTT-3'
Protein context (NP_056020.2, residues 533-553): MEILNRENHI[Glu543Lys]RFELLEILSF